The following is an entry in ClinVar:

NM_002691.4(POLD1):c.1776-8C>T

Gene: POLD1 (DNA polymerase delta 1, catalytic subunit; plus strand). Cytogenetic location: 19q13.33.
Variant type: single nucleotide variant.
Coding change: c.1776-8C>T on transcript NM_002691.4 (MANE Select); 8 bases into the intron before coding-DNA position 1776, C replaced by T.
Molecular consequence: intron variant. On other transcripts: missense variant (1).
Genome position (GRCh38, 1-based): chr19:50,408,777, C>T. VCF-style: chr19-50408777-C-T. GRCh37 (hg19) VCF-style: chr19-50912034-C-T.
Other names: c.1846C>T, p.Pro616Ser (LRG_785t2, NM_001308632.1); c.1776-8C>T (NM_001256849.1, LRG_785t1); short protein forms P616S.
Identifiers: ClinVar variation 469218 (VCV000469218.13), dbSNP rs747275168, ClinGen allele CA9596279.
Genomic context (GRCh38, chr19:50,408,777, plus strand): 5'-CAAGACAGGGCGGGGGCGGCATGGGAACTCCTAGCCCTGACTCCCGGCCGCGGCTGCTCC[C>T]CTCCCAGGTACTACGACGTCCCCATCGCCACCCTGGACTTCTCCTCGCTGTACCCGTCCA-3'

ClinVar aggregate classification (germline): Likely benign. Review status: criteria provided, multiple submitters, no conflicts (2 of 4 stars). 2 submissions from 2 submitters: Likely benign (2). Last evaluated 2025-09-22.

Conditions:
POLD1-related polyposis and colorectal cancer syndrome (CRCS10). Also called: Colorectal cancer 10; COLORECTAL CANCER, SUSCEPTIBILITY TO, ON CHROMOSOME 19q; Colorectal cancer, susceptibility to, 10. Identifiers: Orphanet 220460, MedGen C2675481, MONDO:0012953, OMIM 612591.

Allele frequency attached by ClinVar (database versions not stated): gnomAD exomes below 0.00001 and 0.00002; ExAC 0.00001.

Submissions (2):

Labcorp Genetics (formerly Invitae), Labcorp
Classification: Likely benign for POLD1-related polyposis and colorectal cancer syndrome. Last evaluated: 2025-09-22. Review status: criteria provided, single submitter. Criteria: Invitae Variant Classification Sherloc (09022015). Collection method: clinical testing. Allele origin: germline.

GeneDx
Classification: Likely benign. Last evaluated: 2022-10-17. Review status: criteria provided, single submitter. Criteria: GeneDx Variant Classification Process June 2021. Collection method: clinical testing. Allele origin: germline. Affected: yes.
Comment: See Variant Classification Assertion Criteria.